The following is an entry in ClinVar:

ClinVar aggregate classification (germline): Uncertain significance (1 of 4 stars; one submission).

Submission:

Labcorp Genetics (formerly Invitae), Labcorp
Classification: Uncertain significance. Last evaluated: 2024-10-16. Review status: criteria provided, single submitter. Criteria: Invitae Variant Classification Sherloc (09022015). Collection method: clinical testing. Allele origin: germline.
Comment: This sequence change replaces arginine, which is basic and polar, with histidine, which is basic and polar, at codon 144 of the PTHLH protein (p.Arg144His). This variant is not present in population databases (gnomAD no frequency). This variant has not been reported in the literature in individuals affected with PTHLH-related conditions. ClinVar contains an entry for this variant (Variation ID: 2104564). An algorithm developed to predict the effect of missense changes on protein structure and function (PolyPhen-2) suggests that this variant is likely to be disruptive. In summary, the available evidence is currently insufficient to determine the role of this variant in disease. Therefore, it has been classified as a Variant of Uncertain Significance.

NM_198965.2(PTHLH):c.431G>A (p.Arg144His)

Gene: PTHLH (parathyroid hormone like hormone; minus strand). Cytogenetic location: 12p11.22.
Variant type: single nucleotide variant.
Coding change: c.431G>A on transcript NM_198965.2 (MANE Select); coding-DNA position 431, G replaced by A.
Protein change: p.Arg144His; replaces arginine 144 with histidine.
Molecular consequence: missense variant.
Genome position (GRCh38, 1-based): chr12:27,963,441, C>T on the plus strand (G>A on the coding strand, the complement: PTHLH is on the minus strand). VCF-style: chr12-27963441-C-T. GRCh37 (hg19) VCF-style: chr12-28116374-C-T.
Other names: c.431G>A, p.Arg144His (NM_002820.3, NM_198964.2, NM_198966.2); short protein forms R144H.
Identifiers: ClinVar variation 2104564 (VCV002104564.4), dbSNP rs2539962140, ClinGen allele CA384338812.